The following is an entry in ClinVar:

NM_005458.8(GABBR2):c.1474G>A (p.Gly492Arg)

Gene: GABBR2 (gamma-aminobutyric acid type B receptor subunit 2; minus strand). Cytogenetic location: 9q22.33.
Variant type: single nucleotide variant.
Coding change: c.1474G>A on transcript NM_005458.8 (MANE Select); coding-DNA position 1474, G replaced by A.
Protein change: p.Gly492Arg; replaces glycine 492 with arginine.
Molecular consequence: missense variant.
Genome position (GRCh38, 1-based): chr9:98,388,909, C>T on the plus strand (G>A on the coding strand, the complement: GABBR2 is on the minus strand). VCF-style: chr9-98388909-C-T. GRCh37 (hg19) VCF-style: chr9-101151191-C-T.
Other names: short protein forms G492R.
Identifiers: ClinVar variation 1301182 (VCV001301182.9), dbSNP rs1184139603, ClinGen allele CA374211676.
Genomic context (GRCh38, chr9:98,388,909, plus strand): 5'-CTTACTTCTGATTCCGGTTCTTGATGTTGAAGAAGAGAAAAGCACTGGCCATGATCATCC[C>T]GAGGATGGTGAGGGCAGAGAGGATGCTGTAGAGAGGTAGGGAGATCTTCCGCAGCTGCTC-3'
Protein context (NP_005449.5, residues 482-502): YSILSALTIL[Gly492Arg]MIMASAFLFF

ClinVar aggregate classification (germline): Uncertain significance. Review status: criteria provided, multiple submitters, no conflicts (2 of 4 stars). 2 submissions from 2 submitters: Uncertain significance (2). Last evaluated 2023-08-10.

Conditions:
Epileptic encephalopathy. Identifiers: MedGen C0543888, HP:0200134.

Allele frequency attached by ClinVar (database versions not stated): gnomAD exomes below 0.00001.

Submissions (2):

Labcorp Genetics (formerly Invitae), Labcorp
Classification: Uncertain significance for Epileptic encephalopathy. Last evaluated: 2023-08-10. Review status: criteria provided, single submitter. Criteria: Invitae Variant Classification Sherloc (09022015). Collection method: clinical testing. Allele origin: germline.
Comment: In summary, the available evidence is currently insufficient to determine the role of this variant in disease. Therefore, it has been classified as a Variant of Uncertain Significance. Advanced modeling of protein sequence and biophysical properties (such as structural, functional, and spatial information, amino acid conservation, physicochemical variation, residue mobility, and thermodynamic stability) performed at Invitae indicates that this missense variant is expected to disrupt GABBR2 protein function. ClinVar contains an entry for this variant (Variation ID: 1301182). This variant has not been reported in the literature in individuals affected with GABBR2-related conditions. This variant is present in population databases (no rsID available, gnomAD 0.0009%). This sequence change replaces glycine, which is neutral and non-polar, with arginine, which is basic and polar, at codon 492 of the GABBR2 protein (p.Gly492Arg).

GeneDx
Classification: Uncertain significance. Last evaluated: 2021-09-16. Review status: criteria provided, single submitter. Criteria: GeneDx Variant Classification Process June 2021. Collection method: clinical testing. Allele origin: germline. Affected: yes.
Comment: In silico analysis supports a deleterious effect and suggests this variant may impact gene splicing. In the absence of RNA/functional studies, the actual effect of this sequence change is unknown; Has not been previously published as pathogenic or benign to our knowledge; This variant is associated with the following publications: (PMID: 27535533)